The following is an entry in ClinVar:

ClinVar aggregate classification (germline): Likely benign. Review status: criteria provided, multiple submitters, no conflicts (2 of 4 stars). 2 submissions from 2 submitters: Likely benign (2). Last evaluated 2026-02-01.

Allele frequency attached by ClinVar (database versions not stated): gnomAD 0.00009; TOPMed 0.00009; ESP Exome Variant Server 0.00015; gnomAD exomes 0.00016; ExAC 0.00023.
gnomAD v4.1: 267 of 1,614,134 alleles (0.017%); highest among the groups gnomAD compares: Middle Eastern, 0.13%; 2 homozygotes.

Submissions (2):

CeGaT Center for Human Genetics Tuebingen
Classification: Likely benign. Last evaluated: 2026-02-01. Review status: criteria provided, single submitter. Criteria: CeGaT Center For Human Genetics Tuebingen Variant Classification Criteria Version 2. Collection method: clinical testing. Allele origin: germline. Affected: yes. Observed: 2 variant alleles.
Comment: ADPRS: BP4, BP7

Blueprint Genetics
Classification: Likely benign. Last evaluated: 2024-11-22. Review status: criteria provided, single submitter. Criteria: ACMG Guidelines, 2015. Collection method: clinical testing. Allele origin: germline.

NM_017825.3(ADPRS):c.288C>T (p.Asp96=)

Gene: ADPRS (ADP-ribosylserine hydrolase; plus strand). Cytogenetic location: 1p34.3.
Variant type: single nucleotide variant.
Coding change: c.288C>T on transcript NM_017825.3 (MANE Select); coding-DNA position 288, C replaced by T.
Protein change: p.Asp96=; no amino-acid change (aspartic acid 96 retained).
Molecular consequence: synonymous variant.
Genome position (GRCh38, 1-based): chr1:36,091,320, C>T. VCF-style: chr1-36091320-C-T. GRCh37 (hg19) VCF-style: chr1-36556921-C-T.
Identifiers: ClinVar variation 2638666 (VCV002638666.25), dbSNP rs139465196, ClinGen allele CA764527.